The following is an entry in ClinVar:

NM_000093.5(COL5A1):c.3856G>A (p.Glu1286Lys)

Gene: COL5A1 (collagen type V alpha 1 chain; plus strand). Cytogenetic location: 9q34.3.
Variant type: single nucleotide variant.
Coding change: c.3856G>A on transcript NM_000093.5 (MANE Select); coding-DNA position 3856, G replaced by A.
Protein change: p.Glu1286Lys; replaces glutamic acid 1286 with lysine.
Molecular consequence: missense variant.
Genome position (GRCh38, 1-based): chr9:134,813,986, G>A. VCF-style: chr9-134813986-G-A. GRCh37 (hg19) VCF-style: chr9-137705832-G-A.
Other names: c.3856G>A, p.Glu1286Lys (NM_001278074.1); short protein forms E1286K.
Identifiers: ClinVar variation 1055268 (VCV001055268.16), dbSNP rs149717587, ClinGen allele CA5320062.

ClinVar aggregate classification (germline): Conflicting classifications of pathogenicity. Review status: criteria provided, conflicting classifications (1 of 4 stars). 4 submissions from 4 submitters: Uncertain significance (2); Benign (1); Likely benign (1). Last evaluated 2026-08-15.

Conditions:
Ehlers-Danlos syndrome, classic type, 1 (EDSCL1). Also called: Ehlers-Danlos Syndrome, Classic Type, COL5A1-Related; EDS I; EHLERS-DANLOS SYNDROME, GRAVIS TYPE; EHLERS-DANLOS SYNDROME, SEVERE CLASSIC TYPE; Ehlers-Danlos syndrome, type 1. Identifiers: MedGen C0268335, MONDO:0019567, OMIM 130000.
Familial thoracic aortic aneurysm and aortic dissection (TAAD). Also called: Thoracic aortic aneurysms and dissections. Identifiers: Orphanet 91387, MedGen C4707243, MONDO:0019625.

Allele frequency attached by ClinVar (database versions not stated): gnomAD exomes 0.00004 and 0.00001; ExAC 0.00005; ESP Exome Variant Server 0.00008; gnomAD 0.00002; TOPMed 0.00002.
gnomAD v4.1: 53 of 1,550,932 alleles (0.0034%); highest among the groups gnomAD compares: Non-Finnish European, 0.0043%; no homozygotes.

Submissions (4):

GeneDx
Classification: Uncertain significance. Last evaluated: 2026-08-15. Review status: criteria provided, single submitter. Criteria: GeneDx Variant Classification Process June 2021. Collection method: clinical testing. Allele origin: germline.
Comment: Has not been previously published as pathogenic or benign to our knowledge; Not observed at significant frequency in large population cohorts (gnomAD); In silico analysis supports that this missense variant has a deleterious effect on protein structure/function; Occurs in the triple helical domain at the X position in the canonical Gly-X-Y repeat; although this variant may have an effect on normal protein folding and function, missense substitution at the X position is not a common mechanism of disease (PMID: 22696272; HGMD); This variant is associated with the following publications: (PMID: 22696272)

Women's Health and Genetics/Laboratory Corporation of America, LabCorp
Classification: Likely benign. Last evaluated: 2026-05-05. Review status: criteria provided, single submitter. Criteria: LabCorp Variant Classification Summary - May 2015. Collection method: clinical testing. Allele origin: germline.
Comment: Variant summary: COL5A1 c.3856G>A (p.Glu1286Lys) results in a conservative amino acid change in the encoded protein sequence. Algorithms developed to predict the effect of missense changes on protein structure and function are either unavailable or do not agree on the potential impact of this missense change. The variant allele was found at a frequency of 3.4e-05 in 1544008 control chromosomes, predominantly at a frequency of 4.3e-05 within the Non-Finnish European subpopulation in the gnomAD database. The observed variant frequency within Non-Finnish European control individuals in the gnomAD database exceeds the estimated maximal expected allele frequency for disease-causing variants in COL5A1. To our knowledge, no occurrence of c.3856G>A in individuals affected with COL5A1-related conditions and no experimental evidence demonstrating its impact on protein function have been reported. ClinVar contains an entry for this variant (Variation ID: 1055268). Based on the evidence outlined above, the variant was classified as likely benign.

Labcorp Genetics (formerly Invitae), Labcorp
Classification: Benign for Ehlers-Danlos syndrome, classic type, 1. Last evaluated: 2025-12-03. Review status: criteria provided, single submitter. Criteria: Invitae Variant Classification Sherloc (09022015). Collection method: clinical testing. Allele origin: germline.

Ambry Genetics
Classification: Uncertain significance for Familial thoracic aortic aneurysm and aortic dissection. Last evaluated: 2025-11-17. Review status: criteria provided, single submitter. Criteria: Ambry Variant Classification Scheme 2023. Collection method: clinical testing. Allele origin: germline.
Comment: The p.E1286K variant (also known as c.3856G>A), located in coding exon 49 of the COL5A1 gene, results from a G to A substitution at nucleotide position 3856. The glutamic acid at codon 1286 is replaced by lysine, an amino acid with similar properties. This amino acid position is well conserved in available vertebrate species. In addition, the in silico prediction for this alteration is inconclusive. Since supporting evidence is limited at this time, the clinical significance of this alteration remains unclear.